The following is an entry in ClinVar:

NM_006070.6(TFG):c.268+223del

Gene: TFG (trafficking from ER to golgi regulator; plus strand). Cytogenetic location: 3q12.2.
Variant type: Deletion.
Coding change: c.268+223del on transcript NM_006070.6 (MANE Select); 223 bases into the intron after coding-DNA position 268, one base deleted (G; older notation c.268+223delG).
Molecular consequence: intron variant.
Genome position (GRCh38, 1-based): chr3:100,720,281, G deleted. VCF-style (leftmost placement, unchanged base first): chr3-100720280-TG-T. GRCh37 (hg19) VCF-style: chr3-100439124-TG-T.
Other names: c.268+223del (NM_001007565.2, NM_001195479.2, NM_001195478.2).
Identifiers: ClinVar variation 670746 (VCV000670746.1), dbSNP rs34860451, ClinGen allele CA79696326.

ClinVar aggregate classification (germline): Benign (1 of 4 stars; one submission).

Allele frequency attached by ClinVar (database versions not stated): gnomAD 0.24672 and 0.25527; TOPMed 0.25387; 1000 Genomes Project 30x 0.29966; 1000 Genomes Project 0.30931.

Submission:

GeneDx
Classification: Benign. Last evaluated: 2018-06-19. Review status: criteria provided, single submitter. Criteria: GeneDx Variant Classification (06012015). Collection method: clinical testing. Allele origin: germline. Affected: yes.
Comment: This variant is considered likely benign or benign based on one or more of the following criteria: it is a conservative change, it occurs at a poorly conserved position in the protein, it is predicted to be benign by multiple in silico algorithms, and/or has population frequency not consistent with disease.